The following is an entry in ClinVar:

ClinVar aggregate classification (germline): Likely benign (0 of 4 stars; one submission).

Conditions:
KDM6B-related disorder. Also called: KDM6B-related condition.

Allele frequency attached by ClinVar (database versions not stated): gnomAD exomes 0.00002; ExAC 0.00003; TOPMed 0.00003; gnomAD 0.00004.

Submission:

PreventionGenetics, part of Exact Sciences
Classification: Likely benign for KDM6B-related condition. Last evaluated: 2024-08-29. Review status: no assertion criteria provided. Collection method: clinical testing. Allele origin: germline.
Comment: This variant is classified as likely benign based on ACMG/AMP sequence variant interpretation guidelines (Richards et al. 2015 PMID: 25741868, with internal and published modifications).

NM_001348716.2(KDM6B):c.4245G>A (p.Glu1415=)

Genes: KDM6B (lysine demethylase 6B; plus strand), LOC121587574 (Sharpr-MPRA regulatory region 3930; plus strand). Cytogenetic location: 17p13.1.
Variant type: single nucleotide variant.
Coding change: c.4245G>A on transcript NM_001348716.2 (MANE Select); coding-DNA position 4245, G replaced by A.
Protein change: p.Glu1415=; no amino-acid change (glutamic acid 1415 retained).
Molecular consequence: synonymous variant.
Genome position (GRCh38, 1-based): chr17:7,852,030, G>A. VCF-style: chr17-7852030-G-A. GRCh37 (hg19) VCF-style: chr17-7755348-G-A.
Other names: c.4245G>A, p.Glu1415= (NM_001080424.2).
Identifiers: ClinVar variation 3046974 (VCV003046974.2), dbSNP rs757135902, ClinGen allele CA8361416.